The following is an entry in ClinVar:

ClinVar aggregate classification (germline): Pathogenic. Review status: criteria provided, multiple submitters, no conflicts (2 of 4 stars). 3 submissions from 3 submitters: Pathogenic (3). Last evaluated 2024-08-01.

Conditions:
Cardiovascular phenotype. Identifiers: MedGen CN230736.
Long QT syndrome (LQTS). Identifiers: MedGen C0023976, MeSH D008133, MONDO:0002442. Disease mechanism: loss of function. Inheritance: Various modes of inheritance.

Submissions (3):

Labcorp Genetics (formerly Invitae), Labcorp
Classification: Pathogenic for Long QT syndrome. Last evaluated: 2024-08-01. Review status: criteria provided, single submitter. Criteria: Invitae Variant Classification Sherloc (09022015). Collection method: clinical testing. Allele origin: germline.
Comment: This sequence change creates a premature translational stop signal (p.Gly925Valfs*49) in the KCNH2 gene. It is expected to result in an absent or disrupted protein product. Loss-of-function variants in KCNH2 are known to be pathogenic (PMID: 10973849, 19862833). Information on the frequency of this variant in the gnomAD database is not available, as this variant may be reported differently in the database. This variant has not been reported in the literature in individuals affected with KCNH2-related conditions. For these reasons, this variant has been classified as Pathogenic.

GeneDx
Classification: Pathogenic. Last evaluated: 2023-05-09. Review status: criteria provided, single submitter. Criteria: GeneDx Variant Classification Process June 2021. Collection method: clinical testing. Allele origin: germline. Affected: yes.
Comment: Identified in patients with LQTS referred for genetic testing at GeneDx and in published literature (Lieve et al., 2013; Itoh et al., 2016); Not observed at significant frequency in large population cohorts (gnomAD); Frameshift variant predicted to result in protein truncation or nonsense mediated decay in a gene for which loss-of-function is a known mechanism of disease; This variant is associated with the following publications: (PMID: 23631430, 26669661)

Ambry Genetics
Classification: Pathogenic for Cardiovascular phenotype. Last evaluated: 2020-03-25. Review status: criteria provided, single submitter. Criteria: Ambry Variant Classification Scheme 2023. Collection method: clinical testing. Allele origin: germline.
Comment: The c.2774_2775delGGinsT pathogenic mutation, located in coding exon 12 of the KCNH2 gene, results from the deletion of 2 nucleotides and and insertion of T at nucleotide positions 2774 to 2775, causing a translational frameshift with a predicted alternate stop codon (p.G925Vfs*49). This mutation was reported in a long QT syndrome genetic testing cohort, although clinical details were limited (Lieve KV et al. Genet Test Mol Biomarkers, 2013 Jul;17:553-61). In addition to the clinical data presented in the literature, this alteration is expected to result in loss of function by premature protein truncation or nonsense-mediated mRNA decay. As such, this alteration is interpreted as a disease-causing mutation.

Literature cited by the submitters: PubMed 10973849 (cited by Labcorp Genetics (formerly Invitae), Labcorp); PubMed 19862833 (cited by Labcorp Genetics (formerly Invitae), Labcorp); PubMed 23631430 (cited by Ambry Genetics).

NM_000238.4(KCNH2):c.2774_2775delinsT (p.Gly925fs)

Gene: KCNH2 (potassium voltage-gated channel subfamily H member 2; minus strand). Cytogenetic location: 7q36.1.
Variant type: Indel.
Coding change: c.2774_2775delinsT on transcript NM_000238.4 (MANE Select); coding-DNA positions 2774 to 2775, GG replaced by T.
Protein change: p.Gly925fs; shifts the reading frame from glycine 925.
Molecular consequence: frameshift variant.
Genome position (GRCh38, 1-based): chr7:150,947,796-150,947,797, CC replaced by A on the plus strand (GG replaced by T on the coding strand, the reverse complement: KCNH2 is on the minus strand). VCF-style: chr7-150947796-CC-A. GRCh37 (hg19) VCF-style: chr7-150644884-CC-A.
Other names: c.1754_1755delinsT, p.Gly585fs (NM_172057.3); short protein forms G585fs, G925fs.
Identifiers: ClinVar variation 1219815 (VCV001219815.7), dbSNP rs2116933379, ClinGen allele CA2499218790.
Genomic context (GRCh38, chr7:150,947,796, plus strand): 5'-GCCCTCATCCTCACTGCTCTCAGGGCTGGAGGGGCCACTGGACGGGCTCTCCCCCCACGG[CC>A]CCCCCGGCCGGCCCCGGCTACTCGGCCCTGCCCCCGCCCGGCCCGGCCCCAAGGCCGACA-3'